The following is an entry in ClinVar:

ClinVar aggregate classification (germline): Benign (1 of 4 stars; one submission).

Allele frequency attached by ClinVar (database versions not stated): gnomAD 0.54316 and 0.54662; TOPMed 0.54687; 1000 Genomes Project 30x 0.56043; 1000 Genomes Project 0.56829.
gnomAD v4.1: 83,131 of 151,944 alleles (55%); highest among the groups gnomAD compares: East Asian, 75%; 23,093 homozygotes.

Submission:

GeneDx
Classification: Benign. Last evaluated: 2018-06-14. Review status: criteria provided, single submitter. Criteria: GeneDx Variant Classification (06012015). Collection method: clinical testing. Allele origin: germline. Affected: yes.
Comment: This variant is considered likely benign or benign based on one or more of the following criteria: it is a conservative change, it occurs at a poorly conserved position in the protein, it is predicted to be benign by multiple in silico algorithms, and/or has population frequency not consistent with disease.

NM_058246.4(DNAJB6):c.175+247G>A

Gene: DNAJB6 (DnaJ heat shock protein family (Hsp40) member B6; plus strand). Cytogenetic location: 7q36.3.
Variant type: single nucleotide variant.
Coding change: c.175+247G>A on transcript NM_058246.4 (MANE Select); 247 bases into the intron after coding-DNA position 175, G replaced by A.
Molecular consequence: intron variant.
Genome position (GRCh38, 1-based): chr7:157,363,517, G>A. VCF-style: chr7-157363517-G-A. GRCh37 (hg19) VCF-style: chr7-157156211-G-A.
Other names: c.175+247G>A (NM_001363676.1, NM_005494.3).
Identifiers: ClinVar variation 679290 (VCV000679290.1), dbSNP rs6970294, ClinGen allele CA12527632.